The following is an entry in ClinVar:

NM_005245.4(FAT1):c.229G>A (p.Gly77Arg)

Gene: FAT1 (FAT atypical cadherin 1; minus strand). Cytogenetic location: 4q35.2.
Variant type: single nucleotide variant.
Coding change: c.229G>A on transcript NM_005245.4 (MANE Select); coding-DNA position 229, G replaced by A.
Protein change: p.Gly77Arg; replaces glycine 77 with arginine.
Molecular consequence: missense variant.
Genome position (GRCh38, 1-based): chr4:186,709,599, C>T on the plus strand (G>A on the coding strand, the complement: FAT1 is on the minus strand). VCF-style: chr4-186709599-C-T. GRCh37 (hg19) VCF-style: chr4-187630753-C-T.
Other names: short protein forms G77R.
Identifiers: ClinVar variation 2634915 (VCV002634915.2), dbSNP rs377496399, ClinGen allele CA3167700.

ClinVar aggregate classification (germline): Uncertain significance. Review status: criteria provided, multiple submitters, no conflicts (2 of 4 stars). 2 submissions from 2 submitters: Uncertain significance (2). Last evaluated 2022-12-16.

Conditions:
FAT1-related disorder. Also called: FAT1-related condition.

Allele frequency attached by ClinVar (database versions not stated): ESP Exome Variant Server 0.00008; gnomAD 0.00008; TOPMed 0.00011; ExAC 0.00012; 1000 Genomes Project 30x 0.00016; 1000 Genomes Project 0.00020.
gnomAD v4.1: 103 of 1,613,930 alleles (0.0064%); highest among the groups gnomAD compares: Admixed American, 0.018%; no homozygotes.

Submissions (2):

PreventionGenetics, part of Exact Sciences
Classification: Uncertain significance for FAT1-related condition. Last evaluated: 2022-12-16. Review status: criteria provided, single submitter. Criteria: ACMG Guidelines, 2015. Collection method: clinical testing. Allele origin: germline.
Comment: The FAT1 c.229G>A variant is predicted to result in the amino acid substitution p.Gly77Arg. To our knowledge, this variant has not been reported in the literature. This variant is reported in 0.017% of alleles in individuals of Latino descent in gnomAD. At this time, the clinical significance of this variant is uncertain due to the absence of conclusive functional and genetic evidence.

Department of Pathology and Laboratory Medicine, Sinai Health System
Classification: Uncertain significance for FAT1-related disorder. Last evaluated: 2020-05-19. Review status: criteria provided, single submitter. Criteria: ACMG Guidelines, 2015. Collection method: research. Allele origin: germline.